The following is an entry in ClinVar:

ClinVar aggregate classification (germline): Likely benign. Review status: criteria provided, multiple submitters, no conflicts (2 of 4 stars). 3 submissions from 3 submitters: Likely benign (3). Last evaluated 2024-08-23.

Conditions:
Arrhythmogenic right ventricular cardiomyopathy (ARVD). Also called: Arrhythmogenic cardiomyopathy; Arrhythmogenic Right Ventricular Cardiomyopathy (ARVC); Cardiomyopathy, ARVC; Arrhythmogenic right ventricular dysplasia. Identifiers: Orphanet 247, MedGen C0349788, MeSH D019571, MONDO:0016587. Disease mechanism: loss of function. Inheritance: Various modes of inheritance.
Cardiomyopathy (CMYO). Also called: Cardiomyopathies. Identifiers: Orphanet 167848, MedGen C0878544, MONDO:0004994, HP:0001638. Inheritance: Various modes of inheritance.

Allele frequency attached by ClinVar (database versions not stated): gnomAD exomes below 0.00001.
gnomAD v4.1: 1 of 1,614,118 alleles (0.000062%); highest among the groups gnomAD compares: Non-Finnish European, 0.000085%; no homozygotes.

Submissions (3):

Blueprint Genetics
Classification: Likely benign. Last evaluated: 2024-08-23. Review status: criteria provided, single submitter. Criteria: ACMG Guidelines, 2015. Collection method: clinical testing. Allele origin: germline.

All of Us Research Program, National Institutes of Health
Classification: Likely benign for Arrhythmogenic right ventricular cardiomyopathy. Last evaluated: 2024-03-24. Review status: criteria provided, single submitter. Criteria: ACMG Guidelines, 2015. Collection method: clinical testing. Allele origin: germline. Inheritance: Autosomal dominant inheritance. Observed: 1 variant allele, 1 heterozygote.
Comment: This study involves interpretation of variants in research participants for the purpose of population health screening. Participant phenotype was not available at the time of variant classification. Additional details can be found in publication PMID: 35346344, PMCID: PMC8962531

Color Diagnostics, LLC DBA Color Health
Classification: Likely benign for Cardiomyopathy. Last evaluated: 2018-10-30. Review status: criteria provided, single submitter. Criteria: ACMG Guidelines, 2015. Collection method: clinical testing. Allele origin: germline.

NM_001005242.3(PKP2):c.901C>T (p.Leu301=)

Gene: PKP2 (plakophilin 2; minus strand). Cytogenetic location: 12p11.21.
Variant type: single nucleotide variant.
Coding change: c.901C>T on transcript NM_001005242.3 (MANE Select); coding-DNA position 901, C replaced by T.
Protein change: p.Leu301=; no amino-acid change (leucine 301 retained).
Molecular consequence: synonymous variant.
Genome position (GRCh38, 1-based): chr12:32,877,979, G>A on the plus strand (C>T on the coding strand, the complement: PKP2 is on the minus strand). VCF-style: chr12-32877979-G-A. GRCh37 (hg19) VCF-style: chr12-33030913-G-A.
Other names: c.901C>T, p.Leu301= (NM_004572.4).
Identifiers: ClinVar variation 629868 (VCV000629868.4), dbSNP rs1565599048, ClinGen allele CA479387179.
Genomic context (GRCh38, chr12:32,877,979, plus strand): 5'-CAGTCAAGTGCGCTCTCCTCCCGCTGGAATCCACGGCGACACTGGGCCCAGCTTCCCTCA[G>A]CGTGCGGGTGCTGTGGAAGGAGCTCTGATGCCAGGAGGACCTGGAAGCCCTGTTCTGAGT-3'
Protein context (NP_001005242.2, residues 291-311): HQSSFHSTRT[Leu301=]REAGPSVAVD